The following is an entry in ClinVar:

ClinVar aggregate classification (germline): Uncertain significance. Review status: criteria provided, multiple submitters, no conflicts (2 of 4 stars). 2 submissions from 2 submitters: Uncertain significance (2). Last evaluated 2025-11-03.

Conditions:
Hereditary nonpolyposis colorectal neoplasms. Identifiers: MedGen C0009405, MeSH D003123.
Hereditary cancer-predisposing syndrome. Also called: Hereditary neoplastic syndrome; Neoplastic Syndromes, Hereditary; Hereditary Cancer Syndrome; Tumor predisposition. Identifiers: Orphanet 140162, MedGen C0027672, MeSH D009386, MONDO:0015356.

Submissions (2):

Color Diagnostics, LLC DBA Color Health
Classification: Uncertain significance for Hereditary cancer-predisposing syndrome. Last evaluated: 2025-11-03. Review status: criteria provided, single submitter. Criteria: ACMG Guidelines, 2015. Collection method: clinical testing. Allele origin: germline.
Comment: This variant causes the duplication of 54 basepairs of exon 10 of the MSH6 gene, including the termination codon, but does not change the amino acid sequence of the MSH6 protein. To our knowledge, RNA studies have not been reported for this variant. To our knowledge, this variant has not been reported in individuals affected with MSH6-related disorders in the literature. This variant has not been identified in the general population by the Genome Aggregation Database (gnomAD). Loss of MSH6 function is a known mechanism of disease. The available evidence is insufficient to determine the role of this variant in disease conclusively. Therefore, this variant is classified as a Variant of Uncertain Significance.

Labcorp Genetics (formerly Invitae), Labcorp
Classification: Uncertain significance for Hereditary nonpolyposis colorectal neoplasms. Last evaluated: 2024-09-29. Review status: criteria provided, single submitter. Criteria: Invitae Variant Classification Sherloc (09022015). Collection method: clinical testing. Allele origin: germline.
Comment: This variant occurs in a non-coding region of the MSH6 gene. It does not change the encoded amino acid sequence of the MSH6 protein. This variant is not present in population databases (gnomAD no frequency). This variant has not been reported in the literature in individuals affected with MSH6-related conditions. Experimental studies and prediction algorithms are not available or were not evaluated, and the functional significance of this variant is currently unknown. In summary, the available evidence is currently insufficient to determine the role of this variant in disease. Therefore, it has been classified as a Variant of Uncertain Significance.

NM_000179.3(MSH6):c.4043_*13dup (p.Ala1347_Ter1361=)

Gene: MSH6 (mutS homolog 6; plus strand). Cytogenetic location: 2p16.3.
Variant type: Duplication.
Coding change: c.4043_*13dup on transcript NM_000179.3 (MANE Select); coding-DNA position 4043 through 13 bases downstream of the stop codon, 54 bases duplicated.
Protein change: p.Ala1347_Ter1361=.
Molecular consequence: no sequence alteration. On other transcripts: 3 prime UTR variant (5), non-coding transcript variant (5).
Genome position (GRCh38, 1-based): chr2:47,806,820-47,806,873, 54 bases duplicated. GRCh37 (hg19): chr2:48,033,959-48,034,012.
Other names: c.4043_*13dup, p.Ala1347_Ter1361= (NM_001406796.1, NM_001406809.1); c.3746_*13dup, p.Ala1248_Ter1262= (NM_001406797.1, NM_001406805.1, NM_001406818.1 and 8 more transcripts); c.3869_*13dup, p.Ala1289_Ter1303= (NM_001406798.1); c.*24_*77dup (NM_001406801.1, NM_001406802.1, NM_001406808.1 and 1 more transcripts); c.3518_*13dup, p.Ala1172_Ter1186= (NM_001406799.1, NM_001406806.1, NM_001406807.1); c.*64_*117dup (NM_001406800.1); c.3179_*13dup, p.Ala1059_Ter1073= (NM_001406803.1); c.3965_*13dup, p.Ala1321_Ter1335= (NM_001406804.1); and 9 more.
Identifiers: ClinVar variation 2703124 (VCV002703124.4), dbSNP rs2530895468, ClinGen allele CA2697548143.